The following is an entry in ClinVar:

NM_004360.5(CDH1):c.1803C>A (p.Phe601Leu)

Gene: CDH1 (cadherin 1; plus strand). Cytogenetic location: 16q22.1.
Variant type: single nucleotide variant.
Coding change: c.1803C>A on transcript NM_004360.5 (MANE Select); coding-DNA position 1803, C replaced by A.
Protein change: p.Phe601Leu; replaces phenylalanine 601 with leucine.
Molecular consequence: missense variant. On other transcripts: 5 prime UTR variant (1).
Genome position (GRCh38, 1-based): chr16:68,822,092, C>A. VCF-style: chr16-68822092-C-A. GRCh37 (hg19) VCF-style: chr16-68855995-C-A.
Other names: c.1620C>A, p.Phe540Leu (NM_001317184.2); c.255C>A, p.Phe85Leu (NM_001317185.2); c.-163C>A (NM_001317186.2); short protein forms F540L, F601L, F85L.
Identifiers: ClinVar variation 1484792 (VCV001484792.6), dbSNP rs1799444860, ClinGen allele CA396466723.
Genomic context (GRCh38, chr16:68,822,092, plus strand): 5'-TCTGCTGATCCTGTCTGATGTGAATGACAACGCCCCCATACCAGAACCTCGAACTATATT[C>A]TTCTGTGAGAGGAATCCAAAGCCTCAGGTCATAAACATCATTGATGCAGACCTTCCTCCC-3'
Protein context (NP_004351.1, residues 591-611): NAPIPEPRTI[Phe601Leu]FCERNPKPQV

ClinVar aggregate classification (germline): Uncertain significance (1 of 4 stars; one submission).

Conditions:
Hereditary diffuse gastric adenocarcinoma (HDGC). Also called: DIFFUSE GASTRIC AND LOBULAR BREAST CANCER SYNDROME. Identifiers: Orphanet 26106, MedGen C1708349, MONDO:0007648, OMIM 137215.

Submission:

Labcorp Genetics (formerly Invitae), Labcorp
Classification: Uncertain significance for Hereditary diffuse gastric adenocarcinoma. Last evaluated: 2021-09-21. Review status: criteria provided, single submitter. Criteria: Invitae Variant Classification Sherloc (09022015). Collection method: clinical testing. Allele origin: germline.
Comment: This sequence change replaces phenylalanine with leucine at codon 601 of the CDH1 protein (p.Phe601Leu). The phenylalanine residue is weakly conserved and there is a small physicochemical difference between phenylalanine and leucine. In summary, the available evidence is currently insufficient to determine the role of this variant in disease. Therefore, it has been classified as a Variant of Uncertain Significance. Algorithms developed to predict the effect of missense changes on protein structure and function (SIFT, PolyPhen-2, Align-GVGD) all suggest that this variant is likely to be tolerated. This variant has not been reported in the literature in individuals affected with CDH1-related conditions. This variant is not present in population databases (ExAC no frequency).